The following is an entry in ClinVar:

NM_001013838.3(CARMIL2):c.1545_1546del (p.Leu515fs)

Gene: CARMIL2 (capping protein regulator and myosin 1 linker 2; plus strand). Cytogenetic location: 16q22.1.
Variant type: Deletion.
Coding change: c.1545_1546del on transcript NM_001013838.3 (MANE Select); coding-DNA positions 1545 to 1546, 2 bases deleted (AG; older notation c.1545_1546delAG).
Protein change: p.Leu515fs; shifts the reading frame from leucine 515.
Molecular consequence: frameshift variant.
Genome position (GRCh38, 1-based): chr16:67,648,928-67,648,929, AG deleted. VCF-style (leftmost placement, unchanged base first): chr16-67648927-TAG-T. GRCh37 (hg19) VCF-style: chr16-67682830-TAG-T.
Other names: c.1437_1438del, p.Leu479fs (NM_001317026.3); short protein forms L479fs, L515fs.
Identifiers: ClinVar variation 2628610 (VCV002628610.1), dbSNP rs2543550264, ClinGen allele CA2695197662.

ClinVar aggregate classification (germline): Likely pathogenic (1 of 4 stars; one submission).

Conditions:
CARMIL2-related disorder. Also called: CARMIL2-related condition.

Submission:

PreventionGenetics, part of Exact Sciences
Classification: Likely pathogenic for CARMIL2-related condition. Last evaluated: 2022-12-15. Review status: criteria provided, single submitter. Criteria: ACMG Guidelines, 2015. Collection method: clinical testing. Allele origin: germline.
Comment: The CARMIL2 c.1545_1546delAG variant is predicted to result in a frameshift and premature protein termination (p.Leu515Phefs*15). To our knowledge, this variant has not been reported in the literature or in a large population database, indicating this variant is rare. Frameshift variants in CARMIL2 are expected to be pathogenic. This variant is interpreted as likely pathogenic.